The following is an entry in ClinVar:

ClinVar aggregate classification (germline): Benign (1 of 4 stars; one submission).

Submission:

CeGaT Center for Human Genetics Tuebingen
Classification: Benign. Last evaluated: 2026-05-01. Review status: criteria provided, single submitter. Criteria: CeGaT Center For Human Genetics Tuebingen Variant Classification Criteria Version 2. Collection method: clinical testing. Allele origin: germline. Affected: yes. Observed: 1 variant allele.
Comment: CFHR3: BS1, BS2

NM_021023.6(CFHR3):c.614-12A>T

Gene: CFHR3 (complement factor H related 3; plus strand). Cytogenetic location: 1q31.3.
Variant type: single nucleotide variant.
Coding change: c.614-12A>T on transcript NM_021023.6 (MANE Select); 12 bases into the intron before coding-DNA position 614, A replaced by T.
Molecular consequence: intron variant.
Genome position (GRCh38, 1-based): chr1:196,790,033, A>T. VCF-style: chr1-196790033-A-T. GRCh37 (hg19) VCF-style: chr1-196759163-A-T.
Other names: c.431-12A>T (NM_001166624.2).
Identifiers: ClinVar variation 4872143 (VCV004872143.2).